The following is an entry in ClinVar:

ClinVar aggregate classification (germline): Likely benign. Review status: criteria provided, multiple submitters, no conflicts (2 of 4 stars). 4 submissions from 3 submitters: Likely benign (4). Last evaluated 2024-02-17.

Conditions:
Alzheimer disease 4 (AD4). Identifiers: Orphanet 1020, MedGen C1847200, MONDO:0011743, OMIM 606889.
Dilated cardiomyopathy 1V (CMD1V). Identifiers: Orphanet 154, MedGen C3150958, MONDO:0013373, OMIM 613697.
Inborn genetic diseases. Identifiers: MedGen C0950123, MeSH D030342.

Allele frequency attached by ClinVar (database versions not stated): gnomAD 0.00006 and 0.00007; gnomAD exomes 0.00008; ExAC 0.00009; TOPMed 0.00012; 1000 Genomes Project 0.00020; 1000 Genomes Project 30x 0.00031.
gnomAD v4.1: 60 of 1,614,230 alleles (0.0037%); highest among the groups gnomAD compares: East Asian, 0.067%; no homozygotes.

Submissions (4):

Ambry Genetics
Classification: Likely benign for Inborn genetic diseases. Last evaluated: 2024-02-17. Review status: criteria provided, single submitter. Criteria: Ambry Variant Classification Scheme 2023. Collection method: clinical testing. Allele origin: germline.

Labcorp Genetics (formerly Invitae), Labcorp
Classification: Likely benign for Alzheimer disease 4. Last evaluated: 2023-09-19. Review status: criteria provided, single submitter. Criteria: Invitae Variant Classification Sherloc (09022015). Collection method: clinical testing. Allele origin: germline.

Illumina Laboratory Services, Illumina
Classification: Likely benign for Alzheimer disease 4. Last evaluated: 2017-04-28. Review status: criteria provided, single submitter. Criteria: ICSL Variant Classification Criteria 13 December 2019. Collection method: clinical testing. Allele origin: germline.
Comment: This variant was observed as part of a predisposition screen in an ostensibly healthy population. A literature search was performed for the gene, cDNA change, and amino acid change (where applicable). No publications were found based on this search. Allele frequency data from public databases allowed determination this variant is unlikely to cause disease. Therefore, this variant is classified as likely benign.

Illumina Laboratory Services, Illumina
Classification: Likely benign for Dilated cardiomyopathy 1V. Last evaluated: 2017-04-28. Review status: criteria provided, single submitter. Criteria: ICSL Variant Classification Criteria 13 December 2019. Collection method: clinical testing. Allele origin: germline.
Comment: the same text as in the submission from Illumina Laboratory Services, Illumina above.

NM_000447.3(PSEN2):c.639A>G (p.Ala213=)

Gene: PSEN2 (presenilin 2; plus strand). Cytogenetic location: 1q42.13.
Variant type: single nucleotide variant.
Coding change: c.639A>G on transcript NM_000447.3 (MANE Select); coding-DNA position 639, A replaced by G.
Protein change: p.Ala213=; no amino-acid change (alanine 213 retained).
Molecular consequence: synonymous variant.
Genome position (GRCh38, 1-based): chr1:226,888,901, A>G. VCF-style: chr1-226888901-A-G. GRCh37 (hg19) VCF-style: chr1-227076602-A-G.
Other names: c.639A>G, p.Ala213= (NM_012486.3).
Identifiers: ClinVar variation 743080 (VCV000743080.11), dbSNP rs555809980, ClinGen allele CA1424604.
Genomic context (GRCh38, chr1:226,888,901, plus strand): 5'-GACCTACAATGTGGCCATGGACTACCCCACCCTCTTGCTGACTGTCTGGAACTTCGGGGC[A>G]GTGGGCATGGTGTGCATCCACTGGAAGGGCCCTCTGGTGCTGCAGCAGGCCTACCTCATC-3'
Protein context (NP_000438.2, residues 203-223): TLLLTVWNFG[Ala213=]VGMVCIHWKG